The following is an entry in ClinVar:

NM_020937.4(FANCM):c.1552A>G (p.Lys518Glu)

Gene: FANCM (FA complementation group M; plus strand). Cytogenetic location: 14q21.2.
Variant type: single nucleotide variant.
Coding change: c.1552A>G on transcript NM_020937.4 (MANE Select); coding-DNA position 1552, A replaced by G.
Protein change: p.Lys518Glu; replaces lysine 518 with glutamic acid.
Molecular consequence: missense variant.
Genome position (GRCh38, 1-based): chr14:45,159,251, A>G. VCF-style: chr14-45159251-A-G. GRCh37 (hg19) VCF-style: chr14-45628454-A-G.
Other names: c.1474A>G, p.Lys492Glu (NM_001308133.2); c.1552A>G, p.Lys518Glu (NM_001308134.2); short protein forms K518E, K492E.
Identifiers: ClinVar variation 4619482 (VCV004619482.1).

ClinVar aggregate classification (germline): Uncertain significance (1 of 4 stars; one submission).

Conditions:
Inborn genetic diseases. Identifiers: MedGen C0950123, MeSH D030342.

Submission:

Ambry Genetics
Classification: Uncertain significance for Inborn genetic diseases. Last evaluated: 2025-10-14. Review status: criteria provided, single submitter. Criteria: Ambry Variant Classification Scheme 2023. Collection method: clinical testing. Allele origin: germline.
Comment: The p.K518E variant (also known as c.1552A>G), located in coding exon 9 of the FANCM gene, results from an A to G substitution at nucleotide position 1552. The lysine at codon 518 is replaced by glutamic acid, an amino acid with similar properties. This amino acid position is conserved. In addition, the in silico prediction for this alteration is inconclusive. Based on the available evidence, the clinical significance of this variant remains unclear.